The following is an entry in ClinVar:

NM_000294.3(PHKG2):c.1117C>G (p.Leu373Val)

Gene: PHKG2 (phosphorylase kinase catalytic subunit gamma 2; plus strand). Cytogenetic location: 16p11.2.
Variant type: single nucleotide variant.
Coding change: c.1117C>G on transcript NM_000294.3 (MANE Select); coding-DNA position 1117, C replaced by G.
Protein change: p.Leu373Val; replaces leucine 373 with valine.
Molecular consequence: missense variant. On other transcripts: intron variant (1).
Genome position (GRCh38, 1-based): chr16:30,756,993, C>G. VCF-style: chr16-30756993-C-G. GRCh37 (hg19) VCF-style: chr16-30768314-C-G.
Other names: c.1083+34C>G (NM_001172432.2); short protein forms L373V.
Identifiers: ClinVar variation 4708484 (VCV004708484.1).
Genomic context (GRCh38, chr16:30,756,993, plus strand): 5'-TGTGCCTTCCGGCTCTACGGGCACTGGGTAAAGAAAGGGGAGCAGCAGAACCGGGCGGCT[C>G]TCTTTCAGCACCGGCCCCCTGGGCCTTTTCCCATCATGGGCCCTGAAGAGGAGGGAGACT-3'
Protein context (NP_000285.1, residues 363-383): KKGEQQNRAA[Leu373Val]FQHRPPGPFP

ClinVar aggregate classification (germline): Uncertain significance (1 of 4 stars; one submission).

Conditions:
Glycogen storage disease IXc (GSD9C). Also called: GSD IXc. Identifiers: Orphanet 264580, MedGen C2751643, MONDO:0013091, OMIM 613027.

Submission:

Labcorp Genetics (formerly Invitae), Labcorp
Classification: Uncertain significance for Glycogen storage disease IXc. Last evaluated: 2025-10-29. Review status: criteria provided, single submitter. Criteria: Invitae Variant Classification Sherloc (09022015). Collection method: clinical testing. Allele origin: germline.
Comment: This sequence change replaces leucine, which is neutral and non-polar, with valine, which is neutral and non-polar, at codon 373 of the PHKG2 protein (p.Leu373Val). This variant is present in population databases (rs772584191, gnomAD 0.01%). This variant has not been reported in the literature in individuals affected with PHKG2-related conditions. Invitae Evidence Modeling of protein sequence and biophysical properties (such as structural, functional, and spatial information, amino acid conservation, physicochemical variation, residue mobility, and thermodynamic stability) indicates that this missense variant is not expected to disrupt PHKG2 protein function with a negative predictive value of 95%. In summary, the available evidence is currently insufficient to determine the role of this variant in disease. Therefore, it has been classified as a Variant of Uncertain Significance.